The following is an entry in ClinVar:

NM_000051.4(ATM):c.3340A>G (p.Lys1114Glu)

Gene: ATM (ATM serine/threonine kinase; plus strand). Cytogenetic location: 11q22.3.
Variant type: single nucleotide variant.
Coding change: c.3340A>G on transcript NM_000051.4 (MANE Select); coding-DNA position 3340, A replaced by G.
Protein change: p.Lys1114Glu; replaces lysine 1114 with glutamic acid.
Molecular consequence: missense variant.
Genome position (GRCh38, 1-based): chr11:108,279,546, A>G. VCF-style: chr11-108279546-A-G. GRCh37 (hg19) VCF-style: chr11-108150273-A-G.
Other names: c.3340A>G, p.Lys1114Glu (NM_001351834.2); short protein forms K1114E.
Identifiers: ClinVar variation 947246 (VCV000947246.9), dbSNP rs1049900772, ClinGen allele CA228363517.

ClinVar aggregate classification (germline): Conflicting classifications of pathogenicity. Review status: criteria provided, conflicting classifications (1 of 4 stars). 4 submissions from 4 submitters: Uncertain significance (3); Likely benign (1). Last evaluated 2024-08-12.

Conditions:
Ataxia-telangiectasia syndrome (AT). Also called: Ataxia-telangiectasia, complementation group E; Ataxia telangiectasia (A-T); LOUIS-BAR SYNDROME; ATAXIA-TELANGIECTASIA, FRESNO VARIANT; AT, COMPLEMENTATION GROUP C; Ataxia-telangiectasia. Identifiers: Orphanet 100, MedGen C0004135, MONDO:0008840, OMIM 208900.
Familial cancer of breast. Also called: BREAST CANCER, FAMILIAL; Hereditary breast cancer; hereditary breast carcinoma. Identifiers: Orphanet 227535, MedGen C0346153, MONDO:0016419, OMIM 114480. Disease mechanism: loss of function.
Hereditary cancer-predisposing syndrome. Also called: Neoplastic Syndromes, Hereditary; Hereditary neoplastic syndrome; Hereditary Cancer Syndrome; Tumor predisposition. Identifiers: Orphanet 140162, MedGen C0027672, MeSH D009386, MONDO:0015356.

Submissions (4):

Ambry Genetics
Classification: Likely benign for Hereditary cancer-predisposing syndrome. Last evaluated: 2024-08-12. Review status: criteria provided, single submitter. Criteria: Ambry Variant Classification Scheme 2023. Collection method: clinical testing. Allele origin: germline.

Labcorp Genetics (formerly Invitae), Labcorp
Classification: Uncertain significance for Ataxia-telangiectasia syndrome. Last evaluated: 2022-02-20. Review status: criteria provided, single submitter. Criteria: Invitae Variant Classification Sherloc (09022015). Collection method: clinical testing. Allele origin: germline.
Comment: This sequence change replaces lysine, which is basic and polar, with glutamic acid, which is acidic and polar, at codon 1114 of the ATM protein (p.Lys1114Glu). This variant is not present in population databases (gnomAD no frequency). This variant has not been reported in the literature in individuals affected with ATM-related conditions. ClinVar contains an entry for this variant (Variation ID: 947246). Advanced modeling of protein sequence and biophysical properties (such as structural, functional, and spatial information, amino acid conservation, physicochemical variation, residue mobility, and thermodynamic stability) performed at Invitae indicates that this missense variant is not expected to disrupt ATM protein function. In summary, the available evidence is currently insufficient to determine the role of this variant in disease. Therefore, it has been classified as a Variant of Uncertain Significance.

Fulgent Genetics
Classification: Uncertain significance for Familial cancer of breast; Ataxia-telangiectasia syndrome. Last evaluated: 2021-12-08. Review status: criteria provided, single submitter. Criteria: ACMG Guidelines, 2015. Collection method: clinical testing. Allele origin: unknown.

Sema4
Classification: Uncertain significance for Hereditary cancer-predisposing syndrome. Last evaluated: 2021-11-15. Review status: criteria provided, single submitter. Criteria: Sema4 Curation Guidelines. Collection method: curation. Allele origin: germline.
Comment: To the best of our knowledge, the ATM c.3340A>G (p.K1114E) variant has not been reported in individuals with ATM-related disease. It was not observed in the large and broad cohorts of the Genome Aggregation Database (PMID: 32461654). The variant has been reported in ClinVar (Variation ID 947246). Functional studies have not been performed, and in silico predictions of the variant's effect on protein function are inconclusive. The evidence is insufficient to meet ACMG/AMP criteria for classifying the variant as benign or pathogenic. Thus, the clinical significance of this variant is currently uncertain.